The following is an entry in ClinVar:

ClinVar aggregate classification (germline): Uncertain significance (1 of 4 stars; one submission).

Conditions:
Spastic paraplegia. Identifiers: MedGen C0037772, HP:0001258.

gnomAD v4.1: 1 of 1,610,294 alleles (0.000062%); highest among the groups gnomAD compares: Non-Finnish European, 0.000085%; no homozygotes.

Submission:

Labcorp Genetics (formerly Invitae), Labcorp
Classification: Uncertain significance for Spastic paraplegia. Last evaluated: 2025-02-10. Review status: criteria provided, single submitter. Criteria: Invitae Variant Classification Sherloc (09022015). Collection method: clinical testing. Allele origin: germline.
Comment: This sequence change replaces arginine, which is basic and polar, with serine, which is neutral and polar, at codon 628 of the ZFYVE26 protein (p.Arg628Ser). This variant is present in population databases (rs762527933, gnomAD 0.0009%). This variant has not been reported in the literature in individuals affected with ZFYVE26-related conditions. An algorithm developed to predict the effect of missense changes on protein structure and function (PolyPhen-2) suggests that this variant is likely to be tolerated. Algorithms developed to predict the effect of sequence changes on RNA splicing suggest that this variant may create or strengthen a splice site. In summary, the available evidence is currently insufficient to determine the role of this variant in disease. Therefore, it has been classified as a Variant of Uncertain Significance.

NM_015346.4(ZFYVE26):c.1884G>T (p.Arg628Ser)

Gene: ZFYVE26 (zinc finger FYVE-type containing 26; minus strand). Cytogenetic location: 14q24.1.
Variant type: single nucleotide variant.
Coding change: c.1884G>T on transcript NM_015346.4 (MANE Select); coding-DNA position 1884, G replaced by T.
Protein change: p.Arg628Ser; replaces arginine 628 with serine.
Molecular consequence: missense variant.
Genome position (GRCh38, 1-based): chr14:67,798,378, C>A on the plus strand (G>T on the coding strand, the complement: ZFYVE26 is on the minus strand). VCF-style: chr14-67798378-C-A. GRCh37 (hg19) VCF-style: chr14-68265095-C-A.
Other names: short protein forms R628S.
Identifiers: ClinVar variation 4804501 (VCV004804501.1).